The following is an entry in ClinVar:

NM_001010867.4(IBA57):c.316del (p.Thr106fs)

Gene: IBA57 (iron-sulfur cluster assembly factor IBA57; plus strand). Cytogenetic location: 1q42.13.
Variant type: Deletion.
Coding change: c.316del on transcript NM_001010867.4 (MANE Select); coding-DNA position 316, one base deleted (A; older notation c.316delA).
Protein change: p.Thr106fs; shifts the reading frame from threonine 106.
Molecular consequence: frameshift variant.
Genome position (GRCh38, 1-based): chr1:228,166,132, A deleted. VCF-style (leftmost placement, unchanged base first): chr1-228166131-GA-G. GRCh37 (hg19) VCF-style: chr1-228353832-GA-G.
Other names: c.316delA (NM_001010867.2, NM_001010867.3); c.316del (NM_001010867.2); short protein forms T106fs.
Identifiers: ClinVar variation 1409036 (VCV001409036.13), dbSNP rs757794637, ClinGen allele CA1431103.
Genomic context (GRCh38, chr1:228,166,131, plus strand): 5'-CGCGGGGGCCCCGCCTGCTGCGCGCGCGGGCTACGCCCACTTCCTGAACGTGCAGGGCCG[GA>G]CGCTCTATGACGTCATCTTGTACGGGTGAGCGCGTGCTGGGAGGGCGCTCGGGGGCGGGC-3'

ClinVar aggregate classification (germline): Pathogenic/Likely pathogenic. Review status: criteria provided, multiple submitters, no conflicts (2 of 4 stars). 5 submissions from 5 submitters: Pathogenic (3); Likely pathogenic (2). Last evaluated 2024-09-17.

Conditions:
IBA57-related disorder. Also called: IBA57-related condition.
Hereditary spastic paraplegia 74. Also called: Spastic paraplegia 74, autosomal recessive. Identifiers: Orphanet 468661, MedGen C5568837, MONDO:0014644, OMIM 616451.
Multiple mitochondrial dysfunctions syndrome 3 (MMDS3). Identifiers: Orphanet 363424, MedGen C3809165, MONDO:0014132, OMIM 615330.
Inborn genetic diseases. Identifiers: MedGen C0950123, MeSH D030342.

Allele frequency attached by ClinVar (database versions not stated): gnomAD exomes 0.00002 and 0.00006; TOPMed 0.00002; gnomAD 0.00003; ExAC 0.00019.

Submissions (5):

GeneDx
Classification: Likely pathogenic. Last evaluated: 2024-09-17. Review status: criteria provided, single submitter. Criteria: GeneDx Variant Classification Process June 2021. Collection method: clinical testing. Allele origin: germline. Affected: yes.
Comment: Frameshift variant predicted to result in protein truncation, as the last 251 amino acids are replaced with 144 different amino acids, and other loss-of-function variants have been reported downstream in HGMD; Not observed at significant frequency in large population cohorts (gnomAD); Has not been previously published as pathogenic or benign to our knowledge; This variant is associated with the following publications: (PMID: 28671726)

PreventionGenetics, part of Exact Sciences
Classification: Pathogenic for IBA57-related condition. Last evaluated: 2022-12-14. Review status: criteria provided, single submitter. Criteria: ACMG Guidelines, 2015. Collection method: clinical testing. Allele origin: germline.
Comment: The IBA57 c.316delA variant is predicted to result in a frameshift and premature protein termination (p.Thr106Argfs*145). To our knowledge, this variant has not been reported in the literature. This variant is reported in 0.0062% of alleles in individuals of European (Non-Finnish) descent in gnomAD. Frameshift variants in IBA57 are expected to be pathogenic. This variant is interpreted as pathogenic.

Labcorp Genetics (formerly Invitae), Labcorp
Classification: Pathogenic for Multiple mitochondrial dysfunctions syndrome 3; Hereditary spastic paraplegia 74. Last evaluated: 2022-08-27. Review status: criteria provided, single submitter. Criteria: Invitae Variant Classification Sherloc (09022015). Collection method: clinical testing. Allele origin: germline.
Comment: ClinVar contains an entry for this variant (Variation ID: 1409036). This variant disrupts a region of the IBA57 protein in which other variant(s) (p.Arg233*) have been determined to be pathogenic (PMID: 28671726). This suggests that this is a clinically significant region of the protein, and that variants that disrupt it are likely to be disease-causing. For these reasons, this variant has been classified as Pathogenic. This variant has not been reported in the literature in individuals affected with IBA57-related conditions. This sequence change creates a premature translational stop signal (p.Thr106Argfs*145) in the IBA57 gene. While this is not anticipated to result in nonsense mediated decay, it is expected to disrupt the last 251 amino acid(s) of the IBA57 protein. This variant is present in population databases (rs757794637, gnomAD 0.006%).

Revvity Omics, Revvity
Classification: Likely pathogenic. Last evaluated: 2021-12-31. Review status: criteria provided, single submitter. Criteria: ACMG Guidelines, 2015. Collection method: clinical testing. Allele origin: germline.

Ambry Genetics
Classification: Pathogenic for Inborn genetic diseases. Last evaluated: 2021-09-22. Review status: criteria provided, single submitter. Criteria: Ambry Variant Classification Scheme 2023. Collection method: clinical testing. Allele origin: germline.
Comment: The c.316delA (p.T106Rfs*145) alteration, located in exon 1 (coding exon 1) of the IBA57 gene, consists of a deletion of one nucleotide at position 316, causing a translational frameshift with a predicted alternate stop codon after 145 amino acids. This alteration occurs at the 3' terminus of the IBA57 gene, is not expected to trigger nonsense-mediated mRNA decay, and impacts the last 250 amino acids of the protein. However, premature stop codons are typically deleterious in nature and the impacted region is critical for protein function (Ambry internal data). Based on data from gnomAD, this allele has an overall frequency of <0.01% (3/123360) total alleles studied. The highest observed frequency was 0.01% (3/48188) of European (non-Finnish) alleles. Based on the available evidence, this alteration is classified as pathogenic.

Literature cited by the submitters: PubMed 28671726 (cited by Labcorp Genetics (formerly Invitae), Labcorp).